The following is an entry in ClinVar:

ClinVar aggregate classification (germline): Uncertain significance (1 of 4 stars; one submission).

Conditions:
CCDC40-related disorder. Also called: CCDC40-related condition.

Submission:

PreventionGenetics, part of Exact Sciences
Classification: Uncertain significance for CCDC40-related condition. Last evaluated: 2025-09-18. Review status: criteria provided, single submitter. Criteria: ACMG Guidelines, 2015. Collection method: clinical testing. Allele origin: germline.
Comment: The CCDC40 c.2832+5G>C variant is predicted to interfere with splicing. To our knowledge, this variant has not been reported in the literature. This variant is reported in 0.0058% of alleles in individuals of Latino descent in gnomAD. Although we suspect that this variant may be pathogenic, at this time, the clinical significance of this variant is uncertain due to the absence of conclusive functional and genetic evidence.

NM_017950.4(CCDC40):c.2832+5G>C

Gene: CCDC40 (coiled-coil domain 40 molecular ruler complex subunit; plus strand). Cytogenetic location: 17q25.3.
Variant type: single nucleotide variant.
Coding change: c.2832+5G>C on transcript NM_017950.4 (MANE Select); 5 bases into the intron after coding-DNA position 2832, G replaced by C.
Molecular consequence: intron variant.
Genome position (GRCh38, 1-based): chr17:80,089,889, G>C. VCF-style: chr17-80089889-G-C. GRCh37 (hg19) VCF-style: chr17-78063688-G-C.
Other names: c.2832+5G>C (NM_001243342.2).
Identifiers: ClinVar variation 4990477 (VCV004990477.1).
Genomic context (GRCh38, chr17:80,089,889, plus strand): 5'-CCGAGATCGGCCAGACGGAGATCCGGGCCATGAAGGGCGAGATCCACAGGATGAAGGTGA[G>C]GGGAGGAGAGCGGCGTGGCAGGGCCTGCTGGGTGCCAGCCCTTGGGCTCTGGAGACCTGG-3'